The following is an entry in ClinVar:

NM_016616.5(NME8):c.607C>T (p.Arg203Ter)

Gene: NME8 (NME/NM23 family member 8; plus strand). Cytogenetic location: 7p14.1.
Variant type: single nucleotide variant.
Coding change: c.607C>T on transcript NM_016616.5 (MANE Select); coding-DNA position 607, C replaced by T.
Protein change: p.Arg203Ter; replaces arginine 203 with a stop codon.
Molecular consequence: nonsense.
Genome position (GRCh38, 1-based): chr7:37,865,603, C>T. VCF-style: chr7-37865603-C-T. GRCh37 (hg19) VCF-style: chr7-37905205-C-T.
Other names: short protein forms R203*.
Identifiers: ClinVar variation 1751434 (VCV001751434.5), dbSNP rs142023810, ClinGen allele CA4222273.

ClinVar aggregate classification (germline): Uncertain significance. Review status: criteria provided, multiple submitters, no conflicts (2 of 4 stars). 2 submissions from 2 submitters: Uncertain significance (2). Last evaluated 2023-07-16.

Conditions:
Primary ciliary dyskinesia 6. Also called: Primary Ciliary Dyskinesia 6: TXNDC3-Related Primary Ciliary Dyskinesia. Identifiers: Orphanet 244, MedGen C1970506, MONDO:0012571, OMIM 610852.
Primary ciliary dyskinesia. Also called: Ciliary dyskinesia. Identifiers: Orphanet 244, MedGen C0008780, MONDO:0016575, HP:0012265.

Allele frequency attached by ClinVar (database versions not stated): ExAC 0.00004; ESP Exome Variant Server 0.00008.
gnomAD v4.1: 62 of 1,608,690 alleles (0.0039%); highest among the groups gnomAD compares: Non-Finnish European, 0.005%; no homozygotes.

Submissions (2):

Labcorp Genetics (formerly Invitae), Labcorp
Classification: Uncertain significance for Primary ciliary dyskinesia 6. Last evaluated: 2023-07-16. Review status: criteria provided, single submitter. Criteria: Invitae Variant Classification Sherloc (09022015). Collection method: clinical testing. Allele origin: germline.
Comment: This sequence change creates a premature translational stop signal (p.Arg203*) in the NME8 gene. It is expected to result in an absent or disrupted protein product. However, the current clinical and genetic evidence is not sufficient to establish whether loss-of-function variants in NME8 cause disease. This variant is present in population databases (rs142023810, gnomAD 0.006%). This variant has not been reported in the literature in individuals affected with NME8-related conditions. ClinVar contains an entry for this variant (Variation ID: 1751434). Algorithms developed to predict the effect of sequence changes on RNA splicing suggest that this variant may disrupt the consensus splice site. In summary, the available evidence is currently insufficient to determine the role of this variant in disease. Therefore, it has been classified as a Variant of Uncertain Significance.

Ambry Genetics
Classification: Uncertain significance for Primary ciliary dyskinesia. Last evaluated: 2019-12-17. Review status: criteria provided, single submitter. Criteria: Ambry Variant Classification Scheme 2023. Collection method: clinical testing. Allele origin: germline.
Comment: The p.R203* variant (also known as c.607C>T), located in coding exon 8 of the NME8 gene, results from a C to T substitution at nucleotide position 607. This changes the amino acid from an arginine to a stop codon within coding exon 8. This alteration is expected to result in loss of function by premature protein truncation or nonsense-mediated mRNA decay. However, loss of function of NME8 has not been clearly established as a mechanism of disease. Since supporting evidence is limited at this time, the clinical significance of this alteration remains unclear.